The following is an entry in ClinVar:

NM_001197104.2(KMT2A):c.3596G>A (p.Trp1199Ter)

Gene: KMT2A (lysine methyltransferase 2A; plus strand). Cytogenetic location: 11q23.3.
Variant type: single nucleotide variant.
Coding change: c.3596G>A on transcript NM_001197104.2 (MANE Select); coding-DNA position 3596, G replaced by A.
Protein change: p.Trp1199Ter; replaces tryptophan 1199 with a stop codon.
Molecular consequence: nonsense.
Genome position (GRCh38, 1-based): chr11:118,480,200, G>A. VCF-style: chr11-118480200-G-A. GRCh37 (hg19) VCF-style: chr11-118350915-G-A.
Other names: c.3695G>A (XM_011542829.3); c.3695G>A, p.Trp1232Ter (NM_001412597.1); c.3596G>A, p.Trp1199Ter (NM_005933.4); short protein forms W1199*, W1232*.
Identifiers: ClinVar variation 3897700 (VCV003897700.1).

ClinVar aggregate classification (germline): Pathogenic (1 of 4 stars; one submission).

Conditions:
Wiedemann-Steiner syndrome (WDSTS). Also called: Growth deficiency and mental retardation with facial dysmorphism. Identifiers: Orphanet 319182, MedGen C1854630, MONDO:0011518, OMIM 605130.

Submission:

Institute of Human Genetics, FAU Erlangen, Friedrich-Alexander-Universität Erlangen-Nürnberg
Classification: Pathogenic for Wiedemann-Steiner syndrome. Last evaluated: 2025-05-09. Review status: criteria provided, single submitter. Criteria: Hauer et al. (Genet Med. 2018). Collection method: clinical testing. Allele origin: germline. Inheritance: Autosomal dominant inheritance. Affected: yes. Observed: 1 variant allele.
Comment: This variant has been identified by standard clinical testing. Selected ACMG criteria: Pathogenic (I):PM2;PS2;PVS1